The following is an entry in ClinVar:

NM_021098.3(CACNA1H):c.2524C>A (p.Leu842Met)

Gene: CACNA1H (calcium voltage-gated channel subunit alpha1 H; plus strand). Cytogenetic location: 16p13.3.
Variant type: single nucleotide variant.
Coding change: c.2524C>A on transcript NM_021098.3 (MANE Select); coding-DNA position 2524, C replaced by A.
Protein change: p.Leu842Met; replaces leucine 842 with methionine.
Molecular consequence: missense variant.
Genome position (GRCh38, 1-based): chr16:1,205,186, C>A. VCF-style: chr16-1205186-C-A. GRCh37 (hg19) VCF-style: chr16-1255186-C-A.
Other names: c.2524C>A, p.Leu842Met (NM_001005407.2); short protein forms L842M.
Identifiers: ClinVar variation 3383140 (VCV003383140.2).

ClinVar aggregate classification (germline): Uncertain significance (1 of 4 stars; one submission).

Conditions:
Hyperaldosteronism, familial, type IV (HALD4). Also called: FH IV; ALDOSTERONISM, PRIMARY, AND HYPERTENSION. Identifiers: Orphanet 642671, MedGen C4310756, MONDO:0014875, OMIM 617027.
Epilepsy, childhood absence, susceptibility to, 6. Identifiers: Orphanet 64280, MedGen C2749872, MONDO:0012763, OMIM 611942.

Submission:

Juno Genomics, Hangzhou Juno Genomics, Inc
Classification: Uncertain significance for Epilepsy, childhood absence, susceptibility to, 6; Hyperaldosteronism, familial, type IV. Review status: criteria provided, single submitter. Criteria: ACMG Guidelines, 2015. Collection method: clinical testing. Allele origin: germline. Affected: yes.
Comment: Absent from controls (or at extremely low frequency if recessive) in Genome Aggregation Database, Exome Sequencing Project, 1000 Genomes Project, or Exome Aggregation Consortium.;Multiple lines of computational evidence support a deleterious effect on the gene or gene product (conservation, evolutionary, splicing impact, etc).